The following is an entry in ClinVar:

NM_004370.6(COL12A1):c.5403A>G (p.Ile1801Met)

Gene: COL12A1 (collagen type XII alpha 1 chain; minus strand). Cytogenetic location: 6q13.
Variant type: single nucleotide variant.
Coding change: c.5403A>G on transcript NM_004370.6 (MANE Select); coding-DNA position 5403, A replaced by G.
Protein change: p.Ile1801Met; replaces isoleucine 1801 with methionine.
Molecular consequence: missense variant.
Genome position (GRCh38, 1-based): chr6:75,134,847, T>C on the plus strand (A>G on the coding strand, the complement: COL12A1 is on the minus strand). VCF-style: chr6-75134847-T-C. GRCh37 (hg19) VCF-style: chr6-75844563-T-C.
Other names: c.5403A>G, p.Ile1801Met (NM_001424113.1); c.5382A>G, p.Ile1794Met (NM_001424114.1); c.5130A>G, p.Ile1710Met (NM_001424115.1); c.1911A>G, p.Ile637Met (NM_001424116.1, NM_080645.3); short protein forms I1710M, I1794M, I637M, I1801M.
Identifiers: ClinVar variation 2942514 (VCV002942514.3), dbSNP rs1470703983, ClinGen allele CA364736502.
Genomic context (GRCh38, chr6:75,134,847, plus strand): 5'-GATAGTGTAAGGAGTGTCTGGCTTCAGTTTCTGCAGGACCACACTGTTCTGCCGTCCTCC[T>C]ATTGTGGTCTTGAGTAAAAAGGGTCTTGGTAAGTGTCAGCCTTGCTCTCTCCATCTCACT-3'
Protein context (NP_004361.3, residues 1791-1811): TGEGNEQTTT[Ile1801Met]GGRQNSVVLQ

ClinVar aggregate classification (germline): Uncertain significance (1 of 4 stars; one submission).

Conditions:
Ullrich congenital muscular dystrophy 2 (UCMD2). Identifiers: Orphanet 75840, MedGen C4225314, MONDO:0014654, OMIM 616470.
Bethlem myopathy 2 (BTHLM2). Identifiers: Orphanet 536516, Orphanet 610, MedGen C4225313, MONDO:0034022, OMIM 616471.

Submission:

Labcorp Genetics (formerly Invitae), Labcorp
Classification: Uncertain significance for Bethlem myopathy 2; Ullrich congenital muscular dystrophy 2. Last evaluated: 2023-01-19. Review status: criteria provided, single submitter. Criteria: Invitae Variant Classification Sherloc (09022015). Collection method: clinical testing. Allele origin: germline.
Comment: This sequence change replaces isoleucine, which is neutral and non-polar, with methionine, which is neutral and non-polar, at codon 1801 of the COL12A1 protein (p.Ile1801Met). This variant is not present in population databases (gnomAD no frequency). This variant has not been reported in the literature in individuals affected with COL12A1-related conditions. Advanced modeling of protein sequence and biophysical properties (such as structural, functional, and spatial information, amino acid conservation, physicochemical variation, residue mobility, and thermodynamic stability) performed at Invitae indicates that this missense variant is not expected to disrupt COL12A1 protein function. Algorithms developed to predict the effect of sequence changes on RNA splicing suggest that this variant may create or strengthen a splice site. In summary, the available evidence is currently insufficient to determine the role of this variant in disease. Therefore, it has been classified as a Variant of Uncertain Significance.